The following is an entry in ClinVar:

NM_004260.4(RECQL4):c.2463+3T>A

Gene: RECQL4 (RecQ like helicase 4; minus strand). Cytogenetic location: 8q24.3.
Variant type: single nucleotide variant.
Coding change: c.2463+3T>A on transcript NM_004260.4 (MANE Select); 3 bases into the intron after coding-DNA position 2463, T replaced by A.
Molecular consequence: intron variant.
Genome position (GRCh38, 1-based): chr8:144,513,215, A>T on the plus strand (T>A on the coding strand, the complement: RECQL4 is on the minus strand). VCF-style: chr8-144513215-A-T. GRCh37 (hg19) VCF-style: chr8-145738598-A-T.
Other names: c.2463+3T>A (NM_001413019.1, NM_001413036.1); c.1392+3T>A (NM_001413040.1, NM_001413021.1, NM_001413024.1 and 5 more transcripts); c.996+3T>A (NM_001413043.1); c.1194+3T>A (NM_001413031.1); c.1326+3T>A (NM_001413030.1, NM_001413041.1, NM_001413032.1 and 1 more transcripts); c.1362+3T>A (NM_001413042.1); c.1260+3T>A (NM_001413037.1); c.1195-77T>A (NM_001413038.1); and 7 more.
Identifiers: ClinVar variation 4723260 (VCV004723260.1).

ClinVar aggregate classification (germline): Uncertain significance (1 of 4 stars; one submission).

Conditions:
Baller-Gerold syndrome (BGS). Also called: CRANIOSYNOSTOSIS WITH RADIAL DEFECTS. Identifiers: Orphanet 1225, MedGen C0265308, MONDO:0009039, OMIM 218600.

Submission:

Labcorp Genetics (formerly Invitae), Labcorp
Classification: Uncertain significance for Baller-Gerold syndrome. Last evaluated: 2025-07-15. Review status: criteria provided, single submitter. Criteria: Invitae Variant Classification Sherloc (09022015). Collection method: clinical testing. Allele origin: germline.
Comment: This sequence change falls in intron 14 of the RECQL4 gene. It does not directly change the encoded amino acid sequence of the RECQL4 protein. It affects a nucleotide within the consensus splice site. This variant is not present in population databases (gnomAD no frequency). This variant has not been reported in the literature in individuals affected with RECQL4-related conditions. Variants that disrupt the consensus splice site are a relatively common cause of aberrant splicing (PMID: 17576681, 9536098). Algorithms developed to predict the effect of sequence changes on RNA splicing suggest that this variant is not likely to affect RNA splicing. In summary, the available evidence is currently insufficient to determine the role of this variant in disease. Therefore, it has been classified as a Variant of Uncertain Significance.

Literature cited by the submitters: PubMed 17576681; PubMed 9536098.